The following is an entry in ClinVar:

ClinVar aggregate classification (germline): Pathogenic (1 of 4 stars; one submission).

Conditions:
Complex cortical dysplasia with other brain malformations 6. Identifiers: MedGen C4014283, MONDO:0014341, OMIM 615771.

Submission:

Equipe Genetique des Anomalies du Developpement, Université de Bourgogne
Classification: Pathogenic for Complex cortical dysplasia with other brain malformations 6. Last evaluated: 2025-08-13. Review status: criteria provided, single submitter. Criteria: ACMG Guidelines, 2015. Collection method: clinical testing. Allele origin: de novo. Affected: yes.
Comment: This is a heterozygous de novo missense variant NM_178014.4:c.626A>G p.(Asp209Gly) in the gene TUBB. This variant is absent from the database gnomAD (v4.1.0). It is located near a GTP-binding site and affects a conserved amino acid within the functional tubulin domain. In silico prediction tools support a deleterious effect. Monoallelic pathogenic missense variants in TUBB are associated with two autosomal dominant phenotypes: complex cortical dysplasia with other brain malformations type 6 (OMIM #615771) and congenital symmetric circumferential skin creases type 1 (OMIM #156610). It has been suggested that variants located near GTP-binding sites are associated with phenotypes involving skin manifestations, whereas those more distant are typically linked to neurological presentations (PMID: 32085672, 40603987). Most affected individuals show severe to profound intellectual disability. A minority present milder cortical malformations resulting in moderate intellectual disability, and rarely, limited malformations with near-normal cognitive abilities have been described. In these latter cases, brain MRI typically shows less extensive and less severe cortical malformations (PMID: 30738969, 23246003, 27010057). Pathogenic missense variants in TUBB have also been reported in fetuses with brain malformations, including Dandy-Walker malformation, ventriculomegaly, and bilateral choroid plexus cysts (PMID: 36403095, 40603987). According to current evidence, this variant is considered likely pathogenic (class 4, according to ACMG criteria).

NM_178014.4(TUBB):c.626A>G (p.Asp209Gly)

Gene: TUBB (tubulin beta class I; plus strand). Cytogenetic location: 6p21.33.
Variant type: single nucleotide variant.
Coding change: c.626A>G on transcript NM_178014.4 (MANE Select); coding-DNA position 626, A replaced by G.
Protein change: p.Asp209Gly; replaces aspartic acid 209 with glycine.
Molecular consequence: missense variant. On other transcripts: intron variant (1).
Genome position (GRCh38, 1-based): chr6:30,723,688, A>G. VCF-style: chr6-30723688-A-G. GRCh37 (hg19) VCF-style: chr6-30691465-A-G.
Other names: c.686A>G, p.Asp229Gly (NM_001293212.2); c.494A>G, p.Asp165Gly (NM_001293214.2); c.410A>G, p.Asp137Gly (NM_001293215.2, NM_001293216.2); c.369+257A>G (NM_001293213.2); short protein forms D137G, D165G, D209G, D229G.
Identifiers: ClinVar variation 4528358 (VCV004528358.1).